The following is an entry in ClinVar:

NM_021101.5(CLDN1):c.610C>A (p.Pro204Thr)

Genes: CLDN1 (claudin 1; minus strand), CLDN16 (claudin 16; plus strand). Cytogenetic location: 3q28.
Variant type: single nucleotide variant.
Coding change: c.610C>A on transcript NM_021101.5 (MANE Select); coding-DNA position 610, C replaced by A.
Protein change: p.Pro204Thr; replaces proline 204 with threonine.
Molecular consequence: missense variant. On other transcripts: intron variant (2).
Genome position (GRCh38, 1-based): chr3:190,308,303, G>T on the plus strand (C>A on the coding strand, the complement: CLDN1 is on the minus strand). VCF-style: chr3-190308303-G-T. GRCh37 (hg19) VCF-style: chr3-190026092-G-T.
Other names: c.-445-6590G>T (NM_001378492.1); c.-279+17712G>T (NM_001378493.1); short protein forms P204T.
Identifiers: ClinVar variation 1911103 (VCV001911103.4), dbSNP rs755758248, ClinGen allele CA89733482.

ClinVar aggregate classification (germline): Uncertain significance. Review status: criteria provided, multiple submitters, no conflicts (2 of 4 stars). 2 submissions from 2 submitters: Uncertain significance (2). Last evaluated 2024-01-23.

Conditions:
Inborn genetic diseases. Identifiers: MedGen C0950123, MeSH D030342.

Allele frequency attached by ClinVar (database versions not stated): gnomAD 0.00001; TOPMed 0.00002.
gnomAD v4.1: 11 of 1,613,694 alleles (0.00068%); highest among the groups gnomAD compares: African/African-American, 0.0027%; no homozygotes.

Submissions (2):

Ambry Genetics
Classification: Uncertain significance for Inborn genetic diseases. Last evaluated: 2024-01-23. Review status: criteria provided, single submitter. Criteria: Ambry Variant Classification Scheme 2023. Collection method: clinical testing. Allele origin: germline.

Labcorp Genetics (formerly Invitae), Labcorp
Classification: Uncertain significance. Last evaluated: 2022-06-01. Review status: criteria provided, single submitter. Criteria: Invitae Variant Classification Sherloc (09022015). Collection method: clinical testing. Allele origin: germline.
Comment: This sequence change replaces proline, which is neutral and non-polar, with threonine, which is neutral and polar, at codon 204 of the CLDN1 protein (p.Pro204Thr). This variant is present in population databases (rs755758248, gnomAD 0.0009%). This variant has not been reported in the literature in individuals affected with CLDN1-related conditions. Algorithms developed to predict the effect of missense changes on protein structure and function are either unavailable or do not agree on the potential impact of this missense change (SIFT: "Tolerated"; PolyPhen-2: "Not Available"; Align-GVGD: "Class C0"). In summary, the available evidence is currently insufficient to determine the role of this variant in disease. Therefore, it has been classified as a Variant of Uncertain Significance.